The following is an entry in ClinVar:

ClinVar aggregate classification (germline): Uncertain significance. Review status: criteria provided, multiple submitters, no conflicts (2 of 4 stars). 3 submissions from 3 submitters: Uncertain significance (3). Last evaluated 2023-04-11.

Conditions:
Noonan syndrome 8 (NS8). Identifiers: Orphanet 648, MedGen C3809233, MONDO:0014143, OMIM 615355.

Submissions (3):

Genome-Nilou Lab
Classification: Uncertain significance for Noonan syndrome 8. Last evaluated: 2023-04-11. Review status: criteria provided, single submitter. Criteria: ACMG Guidelines, 2015. Collection method: clinical testing. Allele origin: germline. Affected: no.

Labcorp Genetics (formerly Invitae), Labcorp
Classification: Uncertain significance for Noonan syndrome 8. Last evaluated: 2022-07-03. Review status: criteria provided, single submitter. Criteria: Invitae Variant Classification Sherloc (09022015). Collection method: clinical testing. Allele origin: germline.
Comment: In summary, the available evidence is currently insufficient to determine the role of this variant in disease. Therefore, it has been classified as a Variant of Uncertain Significance. Algorithms developed to predict the effect of missense changes on protein structure and function (SIFT, PolyPhen-2, Align-GVGD) all suggest that this variant is likely to be disruptive. ClinVar contains an entry for this variant (Variation ID: 648447). This variant has not been reported in the literature in individuals affected with RIT1-related conditions. This variant is not present in population databases (gnomAD no frequency). This sequence change replaces aspartic acid, which is acidic and polar, with glutamic acid, which is acidic and polar, at codon 51 of the RIT1 protein (p.Asp51Glu).

GeneDx
Classification: Uncertain significance. Last evaluated: 2021-07-19. Review status: criteria provided, single submitter. Criteria: GeneDx Variant Classification Process June 2021. Collection method: clinical testing. Allele origin: germline. Affected: yes.
Comment: Not observed in large population cohorts (Lek et al., 2016); In silico analysis, which includes protein predictors and evolutionary conservation, supports a deleterious effect; Has not been previously published as pathogenic or benign to our knowledge; This variant is associated with the following publications: (PMID: 27535533)

NM_006912.6(RIT1):c.153T>G (p.Asp51Glu)

Gene: RIT1 (Ras like without CAAX 1; minus strand). Cytogenetic location: 1q22.
Variant type: single nucleotide variant.
Coding change: c.153T>G on transcript NM_006912.6 (MANE Select); coding-DNA position 153, T replaced by G.
Protein change: p.Asp51Glu; replaces aspartic acid 51 with glutamic acid.
Molecular consequence: missense variant.
Genome position (GRCh38, 1-based): chr1:155,910,460, A>C on the plus strand (T>G on the coding strand, the complement: RIT1 is on the minus strand). VCF-style: chr1-155910460-A-C. GRCh37 (hg19) VCF-style: chr1-155880251-A-C.
Other names: c.45T>G, p.Asp15Glu (NM_001256820.2); c.204T>G, p.Asp68Glu (NM_001256821.2); c.153T>G, p.Asp51Glu (LRG_1372t1); short protein forms D15E, D51E, D68E.
Identifiers: ClinVar variation 648447 (VCV000648447.13), dbSNP rs1571999275, ClinGen allele CA342775966.